The following is an entry in ClinVar:

NM_001430.5(EPAS1):c.2296_2297delinsCT (p.Thr766Leu)

Gene: EPAS1 (endothelial PAS domain protein 1; plus strand). Cytogenetic location: 2p21.
Variant type: Indel.
Coding change: c.2296_2297delinsCT on transcript NM_001430.5 (MANE Select); coding-DNA positions 2296 to 2297, AC replaced by CT.
Protein change: p.Thr766Leu; replaces threonine 766 with leucine.
Molecular consequence: missense variant.
Genome position (GRCh38, 1-based): chr2:46,382,433-46,382,434, AC replaced by CT. VCF-style: chr2-46382433-AC-CT. GRCh37 (hg19) VCF-style: chr2-46609572-AC-CT.
Other names: short protein forms T766L.
Identifiers: ClinVar variation 4750891 (VCV004750891.1).

ClinVar aggregate classification (germline): Uncertain significance (1 of 4 stars; one submission).

Submission:

Labcorp Genetics (formerly Invitae), Labcorp
Classification: Uncertain significance. Last evaluated: 2025-12-09. Review status: criteria provided, single submitter. Criteria: Invitae Variant Classification Sherloc (09022015). Collection method: clinical testing. Allele origin: germline.
Comment: This sequence change replaces threonine, which is neutral and polar, with leucine, which is neutral and non-polar, at codon 766 of the EPAS1 protein (p.Thr766Leu). This variant is present in population databases (no rsID available, gnomAD 0.01%). This variant has not been reported in the literature in individuals affected with EPAS1-related conditions. An algorithm developed to predict the effect of missense changes on protein structure and function (PolyPhen-2) suggests that this variant is likely to be tolerated. In summary, the available evidence is currently insufficient to determine the role of this variant in disease. Therefore, it has been classified as a Variant of Uncertain Significance.